The following is an entry in ClinVar:

ClinVar aggregate classification (germline): Uncertain significance (1 of 4 stars; one submission).

Submission:

Ambry Genetics
Classification: Uncertain significance. Last evaluated: 2025-02-09. Review status: criteria provided, single submitter. Criteria: Ambry Variant Classification Scheme 2023. Collection method: clinical testing. Allele origin: germline.
Comment: The p.E427Q variant (also known as c.1279G>C), located in coding exon 13 of the SRP72 gene, results from a G to C substitution at nucleotide position 1279. The glutamic acid at codon 427 is replaced by glutamine, an amino acid with highly similar properties. This amino acid position is conserved. In addition, the in silico prediction for this alteration is inconclusive. Based on the available evidence, the clinical significance of this variant remains unclear.

NM_006947.4(SRP72):c.1279G>C (p.Glu427Gln)

Gene: SRP72 (signal recognition particle 72; plus strand). Cytogenetic location: 4q12.
Variant type: single nucleotide variant.
Coding change: c.1279G>C on transcript NM_006947.4 (MANE Select); coding-DNA position 1279, G replaced by C.
Protein change: p.Glu427Gln; replaces glutamic acid 427 with glutamine.
Molecular consequence: missense variant. On other transcripts: non-coding transcript variant (1).
Genome position (GRCh38, 1-based): chr4:56,489,442, G>C. VCF-style: chr4-56489442-G-C. GRCh37 (hg19) VCF-style: chr4-57355608-G-C.
Other names: c.1096G>C, p.Glu366Gln (NM_001267722.2); short protein forms E427Q, E366Q.
Identifiers: ClinVar variation 3801484 (VCV003801484.1).